The following is an entry in ClinVar:

ClinVar aggregate classification (germline): Uncertain significance. Review status: criteria provided, multiple submitters, no conflicts (2 of 4 stars). 2 submissions from 2 submitters: Uncertain significance (2). Last evaluated 2025-03-04.

Conditions:
Inborn genetic diseases. Identifiers: MedGen C0950123, MeSH D030342.

Allele frequency attached by ClinVar (database versions not stated): gnomAD exomes below 0.00001.
gnomAD v4.1: 1 of 1,614,094 alleles (0.000062%); highest among the groups gnomAD compares: East Asian, 0.0022%; no homozygotes.

Submissions (2):

GeneDx
Classification: Uncertain significance. Last evaluated: 2025-03-04. Review status: criteria provided, single submitter. Criteria: GeneDx Variant Classification Process June 2021. Collection method: clinical testing. Allele origin: germline. Affected: yes.
Comment: Not observed at significant frequency in large population cohorts (gnomAD); In silico analysis supports that this missense variant has a deleterious effect on protein structure/function; Has not been previously published as pathogenic or benign to our knowledge

Ambry Genetics
Classification: Uncertain significance for Inborn genetic diseases. Last evaluated: 2022-02-10. Review status: criteria provided, single submitter. Criteria: Ambry Variant Classification Scheme 2023. Collection method: clinical testing. Allele origin: germline.

NM_000069.3(CACNA1S):c.2827G>A (p.Ala943Thr)

Gene: CACNA1S (calcium voltage-gated channel subunit alpha1 S; minus strand). Cytogenetic location: 1q32.1.
Variant type: single nucleotide variant.
Coding change: c.2827G>A on transcript NM_000069.3 (MANE Select); coding-DNA position 2827, G replaced by A.
Protein change: p.Ala943Thr; replaces alanine 943 with threonine.
Molecular consequence: missense variant.
Genome position (GRCh38, 1-based): chr1:201,065,864, C>T on the plus strand (G>A on the coding strand, the complement: CACNA1S is on the minus strand). VCF-style: chr1-201065864-C-T. GRCh37 (hg19) VCF-style: chr1-201034992-C-T.
Other names: short protein forms A943T.
Identifiers: ClinVar variation 2276132 (VCV002276132.3), dbSNP rs1419258347, ClinGen allele CA344101360.